The following is an entry in ClinVar:

NM_005458.8(GABBR2):c.911G>A (p.Arg304Gln)

Gene: GABBR2 (gamma-aminobutyric acid type B receptor subunit 2; minus strand). Cytogenetic location: 9q22.33.
Variant type: single nucleotide variant.
Coding change: c.911G>A on transcript NM_005458.8 (MANE Select); coding-DNA position 911, G replaced by A.
Protein change: p.Arg304Gln; replaces arginine 304 with glutamine.
Molecular consequence: missense variant.
Genome position (GRCh38, 1-based): chr9:98,473,234, C>T on the plus strand (G>A on the coding strand, the complement: GABBR2 is on the minus strand). VCF-style: chr9-98473234-C-T. GRCh37 (hg19) VCF-style: chr9-101235516-C-T.
Other names: c.911G>A (NM_005458.7); short protein forms R304Q.
Identifiers: ClinVar variation 1353745 (VCV001353745.7), dbSNP rs766347577, ClinGen allele CA5152852.

ClinVar aggregate classification (germline): Conflicting classifications of pathogenicity. Review status: criteria provided, conflicting classifications (1 of 4 stars). 2 submissions from 2 submitters: Uncertain significance (1); Likely benign (1). Last evaluated 2026-01-09.

Conditions:
Inborn genetic diseases. Identifiers: MedGen C0950123, MeSH D030342.
Epileptic encephalopathy. Identifiers: MedGen C0543888, HP:0200134.

Allele frequency attached by ClinVar (database versions not stated): TOPMed 0.00001; gnomAD 0.00002; ExAC 0.00003; gnomAD exomes 0.00004 and 0.00007.
gnomAD v4.1: 114 of 1,613,694 alleles (0.0071%); highest among the groups gnomAD compares: Non-Finnish European, 0.0084%; no homozygotes.

Submissions (2):

Labcorp Genetics (formerly Invitae), Labcorp
Classification: Uncertain significance for Epileptic encephalopathy. Last evaluated: 2026-01-09. Review status: criteria provided, single submitter. Criteria: Invitae Variant Classification Sherloc (09022015). Collection method: clinical testing. Allele origin: germline.
Comment: This sequence change replaces arginine, which is basic and polar, with glutamine, which is neutral and polar, at codon 304 of the GABBR2 protein (p.Arg304Gln). This variant is present in population databases (rs766347577, gnomAD 0.007%). This variant has not been reported in the literature in individuals affected with GABBR2-related conditions. ClinVar contains an entry for this variant (Variation ID: 1353745). Invitae Evidence Modeling of protein sequence and biophysical properties (such as structural, functional, and spatial information, amino acid conservation, physicochemical variation, residue mobility, and thermodynamic stability) indicates that this missense variant is not expected to disrupt GABBR2 protein function with a negative predictive value of 80%. In summary, the available evidence is currently insufficient to determine the role of this variant in disease. Therefore, it has been classified as a Variant of Uncertain Significance.

Ambry Genetics
Classification: Likely benign for Inborn genetic diseases. Last evaluated: 2022-12-01. Review status: criteria provided, single submitter. Criteria: Ambry Variant Classification Scheme 2023. Collection method: clinical testing. Allele origin: germline.